The following is an entry in ClinVar:

ClinVar aggregate classification (germline): Uncertain significance. Review status: criteria provided, multiple submitters, no conflicts (2 of 4 stars). 2 submissions from 2 submitters: Uncertain significance (2). Last evaluated 2025-07-22.

Submissions (2):

GeneDx
Classification: Uncertain significance. Last evaluated: 2025-07-22. Review status: criteria provided, single submitter. Criteria: GeneDx Variant Classification Process June 2021. Collection method: clinical testing. Allele origin: germline. Affected: yes.
Comment: In-frame deletion of 6 amino acids and insertion of 2 different amino acids in a non-repeat region; Not observed at significant frequency in large population cohorts (gnomAD); Has not been previously published as pathogenic or benign to our knowledge

Athena Diagnostics
Classification: Uncertain significance. Last evaluated: 2016-12-30. Review status: criteria provided, single submitter. Criteria: Athena Diagnostics Criteria. Collection method: clinical testing. Allele origin: germline.

NM_001009944.3(PKD1):c.10320_10337delinsATGGCC (p.Gln3441_Leu3446delinsTrpPro)

Gene: PKD1 (polycystin 1, transient receptor potential channel interacting; minus strand). Cytogenetic location: 16p13.3.
Variant type: Indel.
Coding change: c.10320_10337delinsATGGCC on transcript NM_001009944.3 (MANE Select); coding-DNA positions 10320 to 10337, CCAGGCGGGCCATGGGCT replaced by ATGGCC.
Protein change: p.Gln3441_Leu3446delinsTrpPro.
Molecular consequence: inframe indel.
Genome position (GRCh38, 1-based): chr16:2,097,387-2,097,404, AGCCCATGGCCCGCCTGG replaced by GGCCAT on the plus strand (CCAGGCGGGCCATGGGCT replaced by ATGGCC on the coding strand, the reverse complement: PKD1 is on the minus strand). VCF-style: chr16-2097387-AGCCCATGGCCCGCCTGG-GGCCAT. GRCh37 (hg19) VCF-style: chr16-2147388-AGCCCATGGCCCGCCTGG-GGCCAT.
Other names: c.10317_10334delinsATGGCC, p.Gln3440_Leu3445delinsTrpPro (NM_000296.4); c.10320_10337delinsATGGCC (NM_001009944.2).
Identifiers: ClinVar variation 447945 (VCV000447945.2), dbSNP rs1555448280, ClinGen allele CA658656508.